The following is an entry in ClinVar:

ClinVar aggregate classification (germline): Uncertain significance (1 of 4 stars; one submission).

Submission:

Labcorp Genetics (formerly Invitae), Labcorp
Classification: Uncertain significance. Last evaluated: 2021-07-17. Review status: criteria provided, single submitter. Criteria: Invitae Variant Classification Sherloc (09022015). Collection method: clinical testing. Allele origin: germline.
Comment: This variant, c.457_459del, results in the deletion of 1 amino acid(s) of the POLR1C protein (p.Ala153del), but otherwise preserves the integrity of the reading frame. This variant is present in population databases (rs553478354, ExAC 0.02%). This variant has not been reported in the literature in individuals affected with POLR1C-related conditions. Experimental studies and prediction algorithms are not available or were not evaluated, and the functional significance of this variant is currently unknown. In summary, the available evidence is currently insufficient to determine the role of this variant in disease. Therefore, it has been classified as a Variant of Uncertain Significance.

NM_203290.4(POLR1C):c.454GCT[1] (p.Ala153del)

Gene: POLR1C (RNA polymerase I and III subunit C; plus strand). Cytogenetic location: 6p21.1.
Variant type: Microsatellite.
Coding change: c.454GCT[1] on transcript NM_203290.4 (MANE Select); one copy of the 3-base unit GCT starting at c.454; the reference has two copies in a row; one copy, 3 bases deleted.
Protein change: p.Ala153del; deletes alanine 153.
Molecular consequence: inframe deletion.
Genome position (GRCh38, 1-based): chr6:43,520,140-43,520,142, GCT deleted; deleting any 3 consecutive bases within chr6:43,520,136-43,520,142 gives the same sequence; the position shown is the placement nearest the transcript's 3' end. VCF-style (leftmost placement, unchanged base first): chr6-43520135-ATGC-A. GRCh37 (hg19) VCF-style: chr6-43487873-ATGC-A.
Other names: c.454GCT[1], p.Ala153del (NM_001318876.2, NM_001363658.2); short protein forms A153del.
Identifiers: ClinVar variation 1390718 (VCV001390718.8), dbSNP rs553478354, ClinGen allele CA3825440.